The following is an entry in ClinVar:

NM_006891.4(CRYGD):c.51T>C (p.Tyr17=)

Genes: CRYGD (crystallin gamma D; minus strand), LOC100507443 (uncharacterized LOC100507443; plus strand). Cytogenetic location: 2q33.3.
Variant type: single nucleotide variant.
Coding change: c.51T>C on transcript NM_006891.4 (MANE Select); coding-DNA position 51, T replaced by C.
Protein change: p.Tyr17=; no amino-acid change (tyrosine 17 retained).
Molecular consequence: synonymous variant.
Genome position (GRCh38, 1-based): chr2:208,124,313, A>G on the plus strand (T>C on the coding strand, the complement: CRYGD is on the minus strand). VCF-style: chr2-208124313-A-G. GRCh37 (hg19) VCF-style: chr2-208989037-A-G.
Identifiers: ClinVar variation 260062 (VCV000260062.25), dbSNP rs2242074, ClinGen allele CA2077742.

ClinVar aggregate classification (germline): Benign. Review status: criteria provided, multiple submitters, no conflicts (2 of 4 stars). 8 submissions from 8 submitters: Benign (6). 2 of the submissions do not count toward it. Last evaluated 2026-01-28.

Conditions:
Cataract 4 multiple types. Also called: CATARACT 4, MULTIPLE TYPES, WITH OR WITHOUT MICROCORNEA; CATARACT 4 WITH MICROCORNEA; CATARACT 4, PUNCTATE; CATARACT 4, CRYSTALLINE; CATARACT 4, CENTRAL NUCLEAR; CATARACT 4, NONNUCLEAR POLYMORPHIC CONGENITAL. Identifiers: Orphanet 1377, MedGen C3540850, MONDO:0007281, OMIM 115700.
Aculeiform cataract (CTRCT4). Also called: Fasciculiform cataract; Frosted cataract; Needle-shaped cataract. Identifiers: MedGen C1861832, HP:0010926.

Allele frequency attached by ClinVar (database versions not stated): ESP Exome Variant Server 0.57443; gnomAD exomes 0.58381; ExAC 0.59688; gnomAD 0.59825 and 0.60238; TOPMed 0.60387; 1000 Genomes Project 30x 0.64163; 1000 Genomes Project 0.64477.
gnomAD v4.1: 900,055 of 1,608,444 alleles (56%); highest among the groups gnomAD compares: South Asian, 73%; 255,625 homozygotes.

Submissions (8):

Labcorp Genetics (formerly Invitae), Labcorp
Classification: Benign for Aculeiform cataract. Last evaluated: 2026-01-28. Review status: criteria provided, single submitter. Criteria: Invitae Variant Classification Sherloc (09022015). Collection method: clinical testing. Allele origin: germline.

Genome-Nilou Lab
Classification: Benign for Cataract 4 multiple types. Last evaluated: 2021-07-30. Review status: criteria provided, single submitter. Criteria: ACMG Guidelines, 2015. Collection method: clinical testing. Allele origin: germline. Affected: no.

GeneDx
Classification: Benign. Last evaluated: 2018-03-24. Review status: criteria provided, single submitter. Criteria: GeneDx Variant Classification (06012015). Collection method: clinical testing. Allele origin: germline. Affected: yes.
Comment: This variant is considered likely benign or benign based on one or more of the following criteria: it is a conservative change, it occurs at a poorly conserved position in the protein, it is predicted to be benign by multiple in silico algorithms, and/or has population frequency not consistent with disease.

Illumina Laboratory Services, Illumina
Classification: Benign for Cataract 4 multiple types. Last evaluated: 2018-01-13. Review status: criteria provided, single submitter. Criteria: ICSL Variant Classification Criteria 13 December 2019. Collection method: clinical testing. Allele origin: germline.
Comment: This variant was observed in the ICSL laboratory as part of a predisposition screen in an ostensibly healthy population. It had not been previously curated by ICSL or reported in the Human Gene Mutation Database (HGMD: prior to June 1st, 2018), and was therefore a candidate for classification through an automated scoring system. Utilizing variant allele frequency, disease prevalence and penetrance estimates, and inheritance mode, an automated score was calculated to assess if this variant is too frequent to cause the disease. Based on the score and internal cut-off values, a variant classified as benign is not then subjected to further curation. The score for this variant resulted in a classification of benign for this disease.

Breakthrough Genomics
Classification: Benign. Review status: criteria provided, single submitter. Criteria: ACMG Guidelines, 2015. Collection method: not provided. Allele origin: germline. Inheritance: Autosomal dominant inheritance. Affected: yes.

PreventionGenetics, part of Exact Sciences
Classification: Benign. Review status: criteria provided, single submitter. Criteria: ACMG Guidelines, 2015. Collection method: clinical testing. Allele origin: germline.

Diagnostic Laboratory, Department of Genetics, University Medical Center Groningen
Classification: Benign. Review status: no assertion criteria provided. Collection method: clinical testing. Allele origin: germline. Affected: yes. Study: VKGL Data-share Consensus. Not counted in ClinVar's aggregate classification.

Joint Genome Diagnostic Labs from Nijmegen and Maastricht, Radboudumc and MUMC+
Classification: Benign. Review status: no assertion criteria provided. Collection method: clinical testing. Allele origin: germline. Affected: yes. Study: VKGL Data-share Consensus. Not counted in ClinVar's aggregate classification.